The following is an entry in ClinVar:

NM_001204.7(BMPR2):c.2007C>A (p.Asp669Glu)

Gene: BMPR2 (bone morphogenetic protein receptor type 2; plus strand). Cytogenetic location: 2q33.2.
Variant type: single nucleotide variant.
Coding change: c.2007C>A on transcript NM_001204.7 (MANE Select); coding-DNA position 2007, C replaced by A.
Protein change: p.Asp669Glu; replaces aspartic acid 669 with glutamic acid.
Molecular consequence: missense variant.
Genome position (GRCh38, 1-based): chr2:202,555,672, C>A. VCF-style: chr2-202555672-C-A. GRCh37 (hg19) VCF-style: chr2-203420395-C-A.
Other names: short protein forms D669E.
Identifiers: ClinVar variation 5033114 (VCV005033114.1).

ClinVar aggregate classification (germline): Uncertain significance (1 of 4 stars; one submission).

Conditions:
Inborn genetic diseases. Identifiers: MedGen C0950123, MeSH D030342.

gnomAD v4.1: 1 of 1,614,048 alleles (0.000062%); highest among the groups gnomAD compares: Non-Finnish European, 0.000085%; no homozygotes.

Submission:

Ambry Genetics
Classification: Uncertain significance for Inborn genetic diseases. Last evaluated: 2026-08-11. Review status: criteria provided, single submitter. Criteria: Ambry Variant Classification Scheme 2023. Collection method: clinical testing. Allele origin: germline.
Comment: The p.D669E variant (also known as c.2007C>A), located in coding exon 12 of the BMPR2 gene, results from a C to A substitution at nucleotide position 2007. The aspartic acid at codon 669 is replaced by glutamic acid, an amino acid with highly similar properties. This amino acid position is conserved. In addition, the in silico prediction for this alteration is inconclusive. Based on the available evidence, the clinical significance of this variant remains unclear.